The following is an entry in ClinVar:

ClinVar aggregate classification (germline): Benign/Likely benign. Review status: criteria provided, multiple submitters, no conflicts (2 of 4 stars). 9 submissions from 9 submitters: Benign (2); Likely benign (3). 4 of the submissions do not count toward it. Last evaluated 2026-01-18.

Conditions:
FAN1-related disorder. Also called: FAN1-related condition.

Allele frequency attached by ClinVar (database versions not stated): 1000 Genomes Project 0.00240; 1000 Genomes Project 30x 0.00265; ESP Exome Variant Server 0.00354; gnomAD exomes 0.00383; ExAC 0.00385; gnomAD 0.00398 and 0.00399; TOPMed 0.00402.
gnomAD v4.1: 8,971 of 1,595,786 alleles (0.56%); highest among the groups gnomAD compares: Middle Eastern, 0.75%; 37 homozygotes.

Submissions (9):

Labcorp Genetics (formerly Invitae), Labcorp
Classification: Benign. Last evaluated: 2026-01-18. Review status: criteria provided, single submitter. Criteria: Invitae Variant Classification Sherloc (09022015). Collection method: clinical testing. Allele origin: germline.

CeGaT Center for Human Genetics Tuebingen
Classification: Likely benign. Last evaluated: 2024-12-01. Review status: criteria provided, single submitter. Criteria: CeGaT Center For Human Genetics Tuebingen Variant Classification Criteria Version 2. Collection method: clinical testing. Allele origin: germline. Affected: yes. Observed: 5 variant alleles.
Comment: FAN1: BP4, BS2

Mayo Clinic Laboratories, Mayo Clinic
Classification: Benign. Last evaluated: 2023-06-22. Review status: criteria provided, single submitter. Criteria: ACMG Guidelines, 2015. Collection method: clinical testing. Allele origin: germline. Observed: 3 variant alleles.
Comment: BS1, BS2, BP4, BP7

GeneDx
Classification: Likely benign. Last evaluated: 2021-03-16. Review status: criteria provided, single submitter. Criteria: GeneDx Variant Classification Process June 2021. Collection method: clinical testing. Allele origin: germline. Affected: yes.

Breakthrough Genomics
Classification: Likely benign. Review status: criteria provided, single submitter. Criteria: ACMG Guidelines, 2015. Collection method: not provided. Allele origin: germline. Inheritance: Autosomal recessive inheritance. Affected: yes.

PreventionGenetics, part of Exact Sciences
Classification: Likely benign for FAN1-related condition. Last evaluated: 2023-02-09. Review status: no assertion criteria provided. Collection method: clinical testing. Allele origin: germline. Not counted in ClinVar's aggregate classification.
Comment: This variant is classified as likely benign based on ACMG/AMP sequence variant interpretation guidelines (Richards et al. 2015 PMID: 25741868, with internal and published modifications).

Clinical Genetics DNA and cytogenetics Diagnostics Lab, Erasmus MC, Erasmus Medical Center
Classification: Likely benign. Review status: no assertion criteria provided. Collection method: clinical testing. Allele origin: germline. Affected: yes. Study: VKGL Data-share Consensus. Not counted in ClinVar's aggregate classification.

Genome Diagnostics Laboratory, Amsterdam University Medical Center
Classification: Benign. Review status: no assertion criteria provided. Collection method: clinical testing. Allele origin: germline. Affected: yes. Study: VKGL Data-share Consensus. Not counted in ClinVar's aggregate classification.

Genome Diagnostics Laboratory, University Medical Center Utrecht
Classification: Likely benign. Review status: no assertion criteria provided. Collection method: clinical testing. Allele origin: germline. Affected: yes. Study: VKGL Data-share Consensus. Not counted in ClinVar's aggregate classification.

NM_014967.5(FAN1):c.1944-4T>C

Genes: FAN1 (FANCD2 and FANCI associated nuclease 1; plus strand), MTMR10 (myotubularin related protein 10; minus strand). Cytogenetic location: 15q13.3.
Variant type: single nucleotide variant.
Coding change: c.1944-4T>C on transcript NM_014967.5 (MANE Select); 4 bases into the intron before coding-DNA position 1944, T replaced by C.
Molecular consequence: intron variant.
Genome position (GRCh38, 1-based): chr15:30,920,541, T>C. VCF-style: chr15-30920541-T-C. GRCh37 (hg19) VCF-style: chr15-31212744-T-C.
Other names: p.?.
Identifiers: ClinVar variation 715459 (VCV000715459.41), dbSNP rs200971774, ClinGen allele CA7450452.
Genomic context (GRCh38, chr15:30,920,541, plus strand): 5'-GTTATTATTGTCTTATAATAAATTAACCAAATTATTAAACTACTGGTATATGTCTTCATT[T>C]TAGATGCCACGAAGATTTACCACTCTTCCTGCGGTGTTTCACTGTTGGGTGGATTTATAC-3'